The following is an entry in ClinVar:

ClinVar aggregate classification (germline): Uncertain significance (1 of 4 stars; one submission).

Submission:

Genetic Services Laboratory, University of Chicago
Classification: Uncertain significance. Last evaluated: 2024-09-23. Review status: criteria provided, single submitter. Criteria: ACMG Guidelines, 2015. Collection method: clinical testing. Allele origin: germline. Affected: no.
Comment: DNA sequence analysis of the STUB1 gene demonstrated a sequence change, c.193A>C, in exon 2 that results in an amino acid change, p.Asn65His. This sequence change does not appear to have been previously described in individuals with STUB1-related disorders and has also not been described in population databases such as ExAC and gnomAD. Another variant affecting the same amino acid, p.Asn65Ser, has been identified in the heterozygous state in several individuals with autosomal dominant ataxia (PMID: 32713943). The p.Asn65His change affects a highly conserved amino acid residue located in a domain of the STUB1 protein that is known to be functional. The p.Asn65His substitution appears to be deleterious using several in-silico pathogenicity prediction tools (SIFT, PolyPhen2, Align GVGD, REVEL). Due to insufficient evidences and the lack of functional studies, the clinical significance of the p.Asn65His change remains unknown at this time.

NM_005861.4(STUB1):c.193A>C (p.Asn65His)

Gene: STUB1 (STIP1 homology and U-box containing protein 1; plus strand). Cytogenetic location: 16p13.3.
Variant type: single nucleotide variant.
Coding change: c.193A>C on transcript NM_005861.4 (MANE Select); coding-DNA position 193, A replaced by C.
Protein change: p.Asn65His; replaces asparagine 65 with histidine.
Molecular consequence: missense variant. On other transcripts: 5 prime UTR variant (1).
Genome position (GRCh38, 1-based): chr16:681,185, A>C. VCF-style: chr16-681185-A-C. GRCh37 (hg19) VCF-style: chr16-731185-A-C.
Other names: c.-24A>C (NM_001293197.2); short protein forms N65H.
Identifiers: ClinVar variation 4082519 (VCV004082519.2).